The following is an entry in ClinVar:

ClinVar aggregate classification (germline): Uncertain significance (1 of 4 stars; one submission).

Conditions:
Cardiovascular phenotype. Identifiers: MedGen CN230736.

Submission:

Ambry Genetics
Classification: Uncertain significance for Cardiovascular phenotype. Last evaluated: 2024-08-29. Review status: criteria provided, single submitter. Criteria: Ambry Variant Classification Scheme 2023. Collection method: clinical testing. Allele origin: germline.
Comment: The c.6560_6561delGCinsAG variant (also known as p.R2187Q), located in coding exon 40 of the FLNC gene, results from an in-frame deletion of GC and insertion of AG at nucleotide positions 6560 to 6561. This results in the substitution of the arginine residue for a glutamine residue at codon 2187, an amino acid with highly similar properties. This amino acid position is highly conserved in available vertebrate species. In addition, this alteration is predicted to be neutral by in silico analysis (Choi Y et al. PLoS ONE. 2012; 7(10):e46688). Based on the available evidence, the clinical significance of this variant remains unclear.

NM_001458.5(FLNC):c.6560_6561delinsAG (p.Arg2187Gln)

Genes: FLNC (filamin C; plus strand), FLNC-AS1 (FLNC antisense RNA 1; minus strand). Cytogenetic location: 7q32.1.
Variant type: Indel.
Coding change: c.6560_6561delinsAG on transcript NM_001458.5 (MANE Select); coding-DNA positions 6560 to 6561, GC replaced by AG.
Protein change: p.Arg2187Gln; replaces arginine 2187 with glutamine.
Molecular consequence: missense variant.
Genome position (GRCh38, 1-based): chr7:128,854,049-128,854,050, GC replaced by AG. VCF-style: chr7-128854049-GC-AG. GRCh37 (hg19) VCF-style: chr7-128494103-GC-AG.
Other names: c.6461_6462delinsAG, p.Arg2154Gln (NM_001127487.2); short protein forms R2187Q, R2154Q.
Identifiers: ClinVar variation 3515936 (VCV003515936.1).